The following is an entry in ClinVar:

NM_024306.5(FA2H):c.682C>T (p.Leu228Phe)

Gene: FA2H (fatty acid 2-hydroxylase; minus strand). Cytogenetic location: 16q23.1.
Variant type: single nucleotide variant.
Coding change: c.682C>T on transcript NM_024306.5 (MANE Select); coding-DNA position 682, C replaced by T.
Protein change: p.Leu228Phe; replaces leucine 228 with phenylalanine.
Molecular consequence: missense variant.
Genome position (GRCh38, 1-based): chr16:74,719,092, G>A on the plus strand (C>T on the coding strand, the complement: FA2H is on the minus strand). VCF-style: chr16-74719092-G-A. GRCh37 (hg19) VCF-style: chr16-74752990-G-A.
Other names: short protein forms L228F.
Identifiers: ClinVar variation 2124905 (VCV002124905.4), dbSNP rs1218209354, ClinGen allele CA396769582.
Genomic context (GRCh38, chr16:74,719,092, plus strand): 5'-AATAGCTGTCGCTGGGGGGCTTCATGTGGAACAGGAAGCGGTGGATGAGGTACTCGATGA[G>A]GCTCCAGAGGAATGTCCCCAGCATGAAGAGCCCGGGGAACATGGACTTGGGCACTGCCAC-3'
Protein context (NP_077282.3, residues 218-238): LFMLGTFLWS[Leu228Phe]IEYLIHRFLF

ClinVar aggregate classification (germline): Uncertain significance (1 of 4 stars; one submission).

Conditions:
Spastic paraplegia. Identifiers: MedGen C0037772, HP:0001258.

Submission:

Labcorp Genetics (formerly Invitae), Labcorp
Classification: Uncertain significance for Spastic paraplegia. Last evaluated: 2025-02-10. Review status: criteria provided, single submitter. Criteria: Invitae Variant Classification Sherloc (09022015). Collection method: clinical testing. Allele origin: germline.
Comment: This sequence change replaces leucine, which is neutral and non-polar, with phenylalanine, which is neutral and non-polar, at codon 228 of the FA2H protein (p.Leu228Phe). This variant is not present in population databases (gnomAD no frequency). This variant has not been reported in the literature in individuals affected with FA2H-related conditions. ClinVar contains an entry for this variant (Variation ID: 2124905). Invitae Evidence Modeling of protein sequence and biophysical properties (such as structural, functional, and spatial information, amino acid conservation, physicochemical variation, residue mobility, and thermodynamic stability) indicates that this missense variant is not expected to disrupt FA2H protein function with a negative predictive value of 80%. In summary, the available evidence is currently insufficient to determine the role of this variant in disease. Therefore, it has been classified as a Variant of Uncertain Significance.